The following is an entry in ClinVar:

NM_000169.3(GLA):c.118C>T (p.Pro40Ser)

Genes: GLA (galactosidase alpha; minus strand), RPL36A-HNRNPH2 (RPL36A-HNRNPH2 readthrough; plus strand). Cytogenetic location: Xq22.1.
Variant type: single nucleotide variant.
Coding change: c.118C>T on transcript NM_000169.3 (MANE Select); coding-DNA position 118, C replaced by T.
Protein change: p.Pro40Ser; replaces proline 40 with serine.
Molecular consequence: missense variant. On other transcripts: non-coding transcript variant (3), intron variant (2).
Genome position (GRCh38, 1-based): chrX:101,407,786, G>A on the plus strand (C>T on the coding strand, the complement: GLA is on the minus strand). VCF-style: chrX-101407786-G-A. GRCh37 (hg19) VCF-style: chrX-100662774-G-A.
Other names: c.118C>T, p.Pro40Ser (NM_001406747.1, NM_001406748.1, NM_001406749.1); c.301-4150G>A (NM_001199973.2); c.178-4150G>A (NM_001199974.2); short protein forms P40S.
Identifiers: ClinVar variation 10719 (VCV000010719.12), dbSNP rs104894831, ClinGen allele CA021436.

ClinVar aggregate classification (germline): Pathogenic. Review status: criteria provided, multiple submitters, no conflicts (2 of 4 stars). 6 submissions from 6 submitters: Pathogenic (5). 1 of the submissions does not count toward it. Last evaluated 2026-09-08.

Conditions:
Fabry disease. Also called: Ceramide trihexosidosis; Fabry's disease; CERAMIDE TRIHEXOSIDASE DEFICIENCY; GLA DEFICIENCY; HEREDITARY DYSTOPIC LIPIDOSIS; ALPHA-GALACTOSIDASE A DEFICIENCY. Identifiers: Orphanet 324, MedGen C0002986, MONDO:0010526, OMIM 301500, HP:0001071. Disease mechanism: Fabry disease is due to inactivating mutations in the X-linked GLA gene resulting in deficiency of the enzyme Alpha Galactosidase-A., loss of function.

Submissions (6):

Genomenon, Inc
Classification: Pathogenic for Fabry disease. Last evaluated: 2026-09-08. Review status: criteria provided, single submitter. Criteria: Genomenon Sequence Variant Interpretation Standards - Updated. Collection method: curation. Allele origin: germline. Affected: yes.
Comment: GLA p.Pro40Ser (c.118C>T) is a missense variant that changes the amino acid at codon 40 from Proline to Serine. This variant has been observed in at least one proband with clinical features consistent with Fabry disease (PMID:26415523;16148726;2152885;28360401;9452111). At least one functional study has demonstrated a substantial alteration in protein function relative to the wild-type (PMID:32023956;21598360;26415523;27657681). This variant is located in a mutational hotspot and/or important functional domain. It is absent or not present at a significant frequency in gnomAD. In silico models predict that this variant is possibly or probably damaging. In conclusion, we classify GLA p.Pro40Ser (c.118C>T) as a pathogenic variant.

Women's Health and Genetics/Laboratory Corporation of America, LabCorp
Classification: Pathogenic for Fabry disease. Last evaluated: 2022-12-08. Review status: criteria provided, single submitter. Criteria: LabCorp Variant Classification Summary - May 2015. Collection method: clinical testing. Allele origin: germline.
Comment: Variant summary: GLA c.118C>T (p.Pro40Ser) results in a non-conservative amino acid change in the encoded protein sequence. Five of five in-silico tools predict a damaging effect of the variant on protein function. The variant was absent in 183435 control chromosomes (gnomAD). c.118C>T has been reported in the literature in male individuals affected with Fabry Disease, some of whom have no detectable alpha-GLA activity reported (e.g. Koide_1990, Guffon_1998, Guitierrez-Amavizca_2017). Females who are heterozygous for the variant have been shown to have some associated mild phenotype, which may be in part due to X-chromosome inactivation (e.g. Koide_1990, Echevarria_2015). These data indicate that the variant is likely to be associated with disease. Experimental studies expressing the variant in vitro and examining fibroblasts derived from a hemizygous patient, show that the variant results in <1% of normal activity (e.g. Koide_1990, Lukas_2015). Two clinical diagnostic laboratories have submitted clinical-significance assessments for this variant to ClinVar after 2014 and both classified the variant as pathogenic. Based on the evidence outlined above, the variant was classified as pathogenic.

Fulgent Genetics
Classification: Pathogenic for Fabry disease. Last evaluated: 2022-02-23. Review status: criteria provided, single submitter. Criteria: ACMG Guidelines, 2015. Collection method: clinical testing. Allele origin: unknown.

Genome-Nilou Lab
Classification: Pathogenic for Fabry disease. Last evaluated: 2021-07-15. Review status: criteria provided, single submitter. Criteria: ACMG Guidelines, 2015. Collection method: clinical testing. Allele origin: germline. Affected: no.

Eurofins Ntd Llc (ga)
Classification: Pathogenic. Last evaluated: 2018-07-13. Review status: criteria provided, single submitter. Criteria: EGL ClinVar v180209 classification definitions. Collection method: clinical testing. Allele origin: germline. Observed: 13 variant alleles, 9 heterozygotes, 4 hemizygotes.

OMIM
Classification: Pathogenic for FABRY DISEASE. Last evaluated: 1990-01-01. Review status: no assertion criteria provided. Collection method: literature only. Allele origin: germline. Not counted in ClinVar's aggregate classification.

Literature cited by the submitters: PubMed 26415523 (cited by 3 submitters); PubMed 16148726 (cited by Genomenon, Inc); PubMed 2152885 (cited by 4 submitters); PubMed 28360401 (cited by 3 submitters); PubMed 9452111 (cited by 3 submitters); PubMed 32023956 (cited by Genomenon, Inc); PubMed 21598360 (cited by Genomenon, Inc and Eurofins Ntd Llc (ga)); PubMed 27657681 (cited by Genomenon, Inc); PubMed 25974833 (cited by Women's Health and Genetics/Laboratory Corporation of America, LabCorp).